The following is an entry in ClinVar:

NM_015205.3(ATP11A):c.2637C>T (p.Ile879=)

Gene: ATP11A (ATPase phospholipid transporting 11A; plus strand). Cytogenetic location: 13q34.
Variant type: single nucleotide variant.
Coding change: c.2637C>T on transcript NM_015205.3 (MANE Select); coding-DNA position 2637, C replaced by T.
Protein change: p.Ile879=; no amino-acid change (isoleucine 879 retained).
Molecular consequence: synonymous variant.
Genome position (GRCh38, 1-based): chr13:112,858,260, C>T. VCF-style: chr13-112858260-C-T. GRCh37 (hg19) VCF-style: chr13-113512574-C-T.
Other names: c.2637C>T, p.Ile879= (NM_032189.4).
Identifiers: ClinVar variation 718670 (VCV000718670.6), dbSNP rs142674466, ClinGen allele CA7057230.

ClinVar aggregate classification (germline): Benign. Review status: criteria provided, multiple submitters, no conflicts (2 of 4 stars). 3 submissions from 3 submitters: Benign (2). 1 of the submissions does not count toward it. Last evaluated 2018-05-07.

Conditions:
ATP11A-related disorder. Also called: ATP11A-related condition.

Allele frequency attached by ClinVar (database versions not stated): gnomAD exomes 0.00009 and 0.00034; ESP Exome Variant Server 0.00023; gnomAD 0.00026 and 0.00041; TOPMed 0.00032; ExAC 0.00034; 1000 Genomes Project 30x 0.00109; 1000 Genomes Project 0.00140.
gnomAD v4.1: 214 of 1,613,916 alleles (0.013%); highest among the groups gnomAD compares: East Asian, 0.18%; 1 homozygote.

Submissions (3):

Labcorp Genetics (formerly Invitae), Labcorp
Classification: Benign. Last evaluated: 2018-05-07. Review status: criteria provided, single submitter. Criteria: Invitae Variant Classification Sherloc (09022015). Collection method: clinical testing. Allele origin: germline.

Breakthrough Genomics
Classification: Benign. Review status: criteria provided, single submitter. Criteria: ACMG Guidelines, 2015. Collection method: not provided. Allele origin: germline. Inheritance: Autosomal dominant inheritance. Affected: yes.

PreventionGenetics, part of Exact Sciences
Classification: Likely benign for ATP11A-related condition. Last evaluated: 2023-12-29. Review status: no assertion criteria provided. Collection method: clinical testing. Allele origin: germline. Not counted in ClinVar's aggregate classification.
Comment: This variant is classified as likely benign based on ACMG/AMP sequence variant interpretation guidelines (Richards et al. 2015 PMID: 25741868, with internal and published modifications).